The following is an entry in ClinVar:

NM_000202.8(IDS):c.450G>A (p.Pro150=)

Genes: IDS (iduronate 2-sulfatase; minus strand), LOC106050102 (IDS recombination region; plus strand). Cytogenetic location: Xq28.
Variant type: single nucleotide variant.
Coding change: c.450G>A on transcript NM_000202.8 (MANE Select); coding-DNA position 450, G replaced by A.
Protein change: p.Pro150=; no amino-acid change (proline 150 retained).
Molecular consequence: synonymous variant. On other transcripts: non-coding transcript variant (1).
Genome position (GRCh38, 1-based): chrX:149,501,006, C>T on the plus strand (G>A on the coding strand, the complement: IDS is on the minus strand). VCF-style: chrX-149501006-C-T. GRCh37 (hg19) VCF-style: chrX-148582537-C-T.
Other names: c.180G>A, p.Pro60= (NM_001166550.4); c.450G>A, p.Pro150= (NM_006123.5); c.450G>A (NM_000202.5, NM_000202.7).
Identifiers: ClinVar variation 708190 (VCV000708190.13), dbSNP rs201892132, ClinGen allele CA10537657.
Genomic context (GRCh38, chrX:149,501,006, plus strand): 5'-TACCTTAGTGTTTTCATACTTCTCAGAGGAAGGATGATAAGGTGGAAAAGACCAGCTATA[C>T]GGAGAATCATCGGTATGGTTAGAAGATATCCCTTGGAAAAAAAAAAAGGTTGTTAAAACA-3'
Protein context (NP_000193.1, residues 140-160): GISSNHTDDS[Pro150=]YSWSFPPYHP

ClinVar aggregate classification (germline): Benign/Likely benign. Review status: criteria provided, multiple submitters, no conflicts (2 of 4 stars). 4 submissions from 4 submitters: Benign (1); Likely benign (2). 1 of the submissions does not count toward it. Last evaluated 2026-07-20.

Conditions:
IDS-related disorder. Also called: IDS-related condition.
Inborn genetic diseases. Identifiers: MedGen C0950123, MeSH D030342.
Mucopolysaccharidosis, MPS-II (MPS2). Also called: IDS deficiency; Sulfoiduronate sulfatase deficiency; SIDS deficiency; Attenuated MPS (subtype; formerly known as mild MPS II); Severe MPS II; I2S deficiency. Identifiers: Orphanet 580, Orphanet 79388, MedGen C0026705, MONDO:0010674, OMIM 309900.

Allele frequency attached by ClinVar (database versions not stated): gnomAD 0.00004 and 0.00005; ExAC 0.00008; TOPMed 0.00008; ESP Exome Variant Server 0.00009; gnomAD exomes 0.00009 and 0.00013.
gnomAD v4.1: 107 of 1,173,886 alleles (0.0091%); highest among the groups gnomAD compares: South Asian, 0.018%; no homozygotes.

Submissions (4):

PreventionGenetics, part of Exact Sciences
Classification: Likely benign for IDS-related condition. Last evaluated: 2026-07-20. Review status: criteria provided, single submitter. Criteria: ACMG Guidelines, 2015. Collection method: clinical testing. Allele origin: germline.
Comment: This variant is classified as likely benign based on ACMG/AMP sequence variant interpretation guidelines (Richards et al. 2015 PMID: 25741868, with internal and published modifications).

Labcorp Genetics (formerly Invitae), Labcorp
Classification: Benign for Mucopolysaccharidosis, MPS-II. Last evaluated: 2025-11-24. Review status: criteria provided, single submitter. Criteria: Invitae Variant Classification Sherloc (09022015). Collection method: clinical testing. Allele origin: germline.

Ambry Genetics
Classification: Likely benign for Inborn genetic diseases. Last evaluated: 2024-08-03. Review status: criteria provided, single submitter. Criteria: Ambry Variant Classification Scheme 2023. Collection method: clinical testing. Allele origin: germline.

Natera, Inc.
Classification: Likely benign for Mucopolysaccharidosis type II. Last evaluated: 2020-11-03. Review status: no assertion criteria provided. Collection method: clinical testing. Allele origin: germline. Not counted in ClinVar's aggregate classification.